The following is an entry in ClinVar:

ClinVar aggregate classification (germline): Uncertain significance. Review status: criteria provided, multiple submitters, no conflicts (2 of 4 stars). 2 submissions from 2 submitters: Uncertain significance (2). Last evaluated 2024-03-13.

Conditions:
Inborn genetic diseases. Identifiers: MedGen C0950123, MeSH D030342.

Allele frequency attached by ClinVar (database versions not stated): gnomAD exomes 0.00001.

Submissions (2):

GeneDx
Classification: Uncertain significance. Last evaluated: 2024-03-13. Review status: criteria provided, single submitter. Criteria: GeneDx Variant Classification Process June 2021. Collection method: clinical testing. Allele origin: germline. Affected: yes.
Comment: In silico analysis supports that this missense variant does not alter protein structure/function; Has not been previously published as pathogenic or benign to our knowledge

Ambry Genetics
Classification: Uncertain significance for Inborn genetic diseases. Last evaluated: 2023-05-05. Review status: criteria provided, single submitter. Criteria: Ambry Variant Classification Scheme 2023. Collection method: clinical testing. Allele origin: germline.

NM_004970.3(IGFALS):c.172G>A (p.Val58Ile)

Gene: IGFALS (insulin like growth factor binding protein acid labile subunit; minus strand). Cytogenetic location: 16p13.3.
Variant type: single nucleotide variant.
Coding change: c.172G>A on transcript NM_004970.3 (MANE Select); coding-DNA position 172, G replaced by A.
Protein change: p.Val58Ile; replaces valine 58 with isoleucine.
Molecular consequence: missense variant. On other transcripts: non-coding transcript variant (1).
Genome position (GRCh38, 1-based): chr16:1,792,246, C>T on the plus strand (G>A on the coding strand, the complement: IGFALS is on the minus strand). VCF-style: chr16-1792246-C-T. GRCh37 (hg19) VCF-style: chr16-1842247-C-T.
Other names: c.286G>A, p.Val96Ile (NM_001146006.2); short protein forms V58I, V96I.
Identifiers: ClinVar variation 2508756 (VCV002508756.3), dbSNP rs1356178734, ClinGen allele CA394269599.